The following is an entry in ClinVar:

NM_001127898.4(CLCN5):c.1092dup (p.Ile365fs)

Gene: CLCN5 (chloride voltage-gated channel 5; plus strand). Cytogenetic location: Xp11.23.
Variant type: Duplication.
Coding change: c.1092dup on transcript NM_001127898.4 (MANE Select); coding-DNA position 1092, one base duplicated (C; older notation c.1092dupC).
Protein change: p.Ile365fs; shifts the reading frame from isoleucine 365.
Molecular consequence: frameshift variant.
Genome position (GRCh38, 1-based): chrX:50,086,405, C duplicated; the last of 2 consecutive C bases (chrX:50,086,404-50,086,405); duplicating either gives the same sequence. VCF-style (leftmost placement, unchanged base first): chrX-50086403-T-TC. GRCh37 (hg19) VCF-style: chrX-49851060-T-TC.
Other names: c.882dup, p.Ile295fs (NM_000084.5); c.1092dup, p.Ile365fs (NM_001127899.4); c.942dup, p.Ile315fs (NM_001282163.2); short protein forms I295fs, I315fs, I365fs.
Identifiers: ClinVar variation 1074397 (VCV001074397.7), dbSNP rs2147595436, ClinGen allele CA2499226774.

ClinVar aggregate classification (germline): Pathogenic (1 of 4 stars; one submission).

Submission:

Labcorp Genetics (formerly Invitae), Labcorp
Classification: Pathogenic. Last evaluated: 2022-05-03. Review status: criteria provided, single submitter. Criteria: Invitae Variant Classification Sherloc (09022015). Collection method: clinical testing. Allele origin: germline.
Comment: For these reasons, this variant has been classified as Pathogenic. ClinVar contains an entry for this variant (Variation ID: 1074397). This variant has not been reported in the literature in individuals affected with CLCN5-related conditions. This variant is not present in population databases (gnomAD no frequency). This sequence change creates a premature translational stop signal (p.Ile295Hisfs*24) in the CLCN5 gene. It is expected to result in an absent or disrupted protein product. Loss-of-function variants in CLCN5 are known to be pathogenic (PMID: 22876375, 25907713).

Literature cited by the submitters: PubMed 22876375; PubMed 25907713.